The following is an entry in ClinVar:

NM_005477.3(HCN4):c.691C>G (p.Leu231Val)

Gene: HCN4 (hyperpolarization activated cyclic nucleotide gated potassium channel 4; minus strand). Cytogenetic location: 15q24.1.
Variant type: single nucleotide variant.
Coding change: c.691C>G on transcript NM_005477.3 (MANE Select); coding-DNA position 691, C replaced by G.
Protein change: p.Leu231Val; replaces leucine 231 with valine.
Molecular consequence: missense variant.
Genome position (GRCh38, 1-based): chr15:73,367,580, G>C on the plus strand (C>G on the coding strand, the complement: HCN4 is on the minus strand). VCF-style: chr15-73367580-G-C. GRCh37 (hg19) VCF-style: chr15-73659921-G-C.
Other names: short protein forms L231V.
Identifiers: ClinVar variation 2005758 (VCV002005758.4), dbSNP rs1236917170, ClinGen allele CA393097218.
Genomic context (GRCh38, chr15:73,367,580, plus strand): 5'-CGGCCGACTTGACCCTCTCCTGTTCGCGCTCCACGGCTTTCTGGCTGCCGAACATCCTTA[G>C]GGAGAATTTGTTGACCCCGGGTTGGAGCATGGCCCCGAACTGGCGCTGCATGAAGCCGGC-3'
Protein context (NP_005468.1, residues 221-241): MLQPGVNKFS[Leu231Val]RMFGSQKAVE

ClinVar aggregate classification (germline): Uncertain significance (1 of 4 stars; one submission).

Conditions:
Brugada syndrome 8 (BRGDA8). Identifiers: Orphanet 130, MedGen C2751083, MONDO:0013148, OMIM 613123.

Submission:

Labcorp Genetics (formerly Invitae), Labcorp
Classification: Uncertain significance for Brugada syndrome 8. Last evaluated: 2022-06-13. Review status: criteria provided, single submitter. Criteria: Invitae Variant Classification Sherloc (09022015). Collection method: clinical testing. Allele origin: germline.
Comment: This sequence change replaces leucine, which is neutral and non-polar, with valine, which is neutral and non-polar, at codon 231 of the HCN4 protein (p.Leu231Val). In summary, the available evidence is currently insufficient to determine the role of this variant in disease. Therefore, it has been classified as a Variant of Uncertain Significance. Advanced modeling of protein sequence and biophysical properties (such as structural, functional, and spatial information, amino acid conservation, physicochemical variation, residue mobility, and thermodynamic stability) performed at Invitae indicates that this missense variant is not expected to disrupt HCN4 protein function. This variant has not been reported in the literature in individuals affected with HCN4-related conditions. This variant is not present in population databases (gnomAD no frequency).